The following is an entry in ClinVar:

ClinVar aggregate classification (germline): Uncertain significance (1 of 4 stars; one submission).

Submission:

CeGaT Center for Human Genetics Tuebingen
Classification: Uncertain significance. Last evaluated: 2026-03-01. Review status: criteria provided, single submitter. Criteria: CeGaT Center For Human Genetics Tuebingen Variant Classification Criteria Version 2. Collection method: clinical testing. Allele origin: germline. Affected: yes. Observed: 1 variant allele.
Comment: DEPDC5: PM2

NM_001242896.3(DEPDC5):c.4115G>C (p.Cys1372Ser)

Gene: DEPDC5 (DEP domain containing 5, GATOR1 subcomplex subunit; plus strand). Cytogenetic location: 22q12.3.
Variant type: single nucleotide variant.
Coding change: c.4115G>C on transcript NM_001242896.3 (MANE Select); coding-DNA position 4115, G replaced by C.
Protein change: p.Cys1372Ser; replaces cysteine 1372 with serine.
Molecular consequence: missense variant. On other transcripts: non-coding transcript variant (5).
Genome position (GRCh38, 1-based): chr22:31,893,663, G>C. VCF-style: chr22-31893663-G-C. GRCh37 (hg19) VCF-style: chr22-32289649-G-C.
Other names: c.3815G>C, p.Cys1272Ser (NM_001242897.2); c.4049G>C, p.Cys1350Ser (NM_001363852.2, NM_001364320.2); c.3881G>C, p.Cys1294Ser (NM_001363854.2, NM_001364319.2); c.4115G>C, p.Cys1372Ser (NM_001364318.2); c.4031G>C, p.Cys1344Ser (NM_001369901.1, NM_001369902.1); c.4022G>C, p.Cys1341Ser (NM_001369903.1, NM_014662.6); c.4088G>C, p.Cys1363Ser (NM_001136029.4); short protein forms C1272S, C1294S, C1341S, C1344S, C1350S, C1363S, C1372S.
Identifiers: ClinVar variation 4823624 (VCV004823624.4).
Genomic context (GRCh38, chr22:31,893,663, plus strand): 5'-GGACTGTGACCCTGGATGTTGACGTGAACAACCGCACAGACCGGCTGGAGTGGTGCAGCT[G>C]TTATTACCATGGCAACTTTTCTCTGAATGCAGCCTTTGAGATCAAGCTGCACTGGATGGC-3'
Protein context (NP_001229825.1, residues 1362-1382): NRTDRLEWCS[Cys1372Ser]YYHGNFSLNA